The following is an entry in ClinVar:

ClinVar aggregate classification (germline): Uncertain significance (1 of 4 stars; one submission).

gnomAD v4.1: 17 of 1,591,176 alleles (0.0011%); highest among the groups gnomAD compares: Non-Finnish European, 0.0015%; no homozygotes.

Submission:

Mayo Clinic Laboratories, Mayo Clinic
Classification: Uncertain significance. Last evaluated: 2024-01-26. Review status: criteria provided, single submitter. Criteria: ACMG Guidelines, 2015. Collection method: clinical testing. Allele origin: germline. Observed: 1 variant allele.
Comment: PP2, PM2

NM_001346249.2(RALGAPA1):c.5807A>G (p.Tyr1936Cys)

Gene: RALGAPA1 (Ral GTPase activating protein catalytic subunit alpha 1; minus strand). Cytogenetic location: 14q13.2.
Variant type: single nucleotide variant.
Coding change: c.5807A>G on transcript NM_001346249.2 (MANE Select); coding-DNA position 5807, A replaced by G.
Protein change: p.Tyr1936Cys; replaces tyrosine 1936 with cysteine.
Molecular consequence: missense variant.
Genome position (GRCh38, 1-based): chr14:35,635,468, T>C on the plus strand (A>G on the coding strand, the complement: RALGAPA1 is on the minus strand). VCF-style: chr14-35635468-T-C. GRCh37 (hg19) VCF-style: chr14-36104674-T-C.
Other names: p.Tyr1430Cys; c.4328A>G, p.Tyr1443Cys (NM_001283043.3); c.4430A>G, p.Tyr1477Cys (NM_001283044.3, NM_001346245.2, NM_001346247.2); c.5666A>G, p.Tyr1889Cys (NM_001330075.3, NM_001346248.2); c.4289A>G, p.Tyr1430Cys (NM_001346243.2, NM_001346246.2, NM_014990.3 and 1 more transcripts); short protein forms Y1430C, Y1443C, Y1477C, Y1889C, Y1936C.
Identifiers: ClinVar variation 3380185 (VCV003380185.1).